The following is an entry in ClinVar:

ClinVar aggregate classification (germline): Uncertain significance (1 of 4 stars; one submission).

gnomAD v4.1: 7 of 1,614,148 alleles (0.00043%); highest among the groups gnomAD compares: Admixed American, 0.0017%; no homozygotes.

Submission:

Labcorp Genetics (formerly Invitae), Labcorp
Classification: Uncertain significance. Last evaluated: 2024-05-14. Review status: criteria provided, single submitter. Criteria: Invitae Variant Classification Sherloc (09022015). Collection method: clinical testing. Allele origin: germline.
Comment: This sequence change replaces asparagine, which is neutral and polar, with lysine, which is basic and polar, at codon 88 of the LAMTOR2 protein (p.Asn88Lys). This variant is present in population databases (rs747856790, gnomAD 0.003%). This variant has not been reported in the literature in individuals affected with LAMTOR2-related conditions. An algorithm developed to predict the effect of missense changes on protein structure and function (PolyPhen-2) suggests that this variant is likely to be tolerated. In summary, the available evidence is currently insufficient to determine the role of this variant in disease. Therefore, it has been classified as a Variant of Uncertain Significance.

NM_014017.4(LAMTOR2):c.264C>A (p.Asn88Lys)

Gene: LAMTOR2 (late endosomal/lysosomal adaptor, MAPK and MTOR activator 2; plus strand). Cytogenetic location: 1q22.
Variant type: single nucleotide variant.
Coding change: c.264C>A on transcript NM_014017.4 (MANE Select); coding-DNA position 264, C replaced by A.
Protein change: p.Asn88Lys; replaces asparagine 88 with lysine.
Molecular consequence: missense variant. On other transcripts: intron variant (1).
Genome position (GRCh38, 1-based): chr1:156,058,010, C>A. VCF-style: chr1-156058010-C-A. GRCh37 (hg19) VCF-style: chr1-156027801-C-A.
Other names: c.232-305C>A (NM_001145264.2); short protein forms N88K.
Identifiers: ClinVar variation 3708450 (VCV003708450.2).